The following is an entry in ClinVar:

NM_001370259.2(MEN1):c.717G>A (p.Met239Ile)

Gene: MEN1 (menin 1; minus strand). Cytogenetic location: 11q13.1.
Variant type: single nucleotide variant.
Coding change: c.717G>A on transcript NM_001370259.2 (MANE Select); coding-DNA position 717, G replaced by A.
Protein change: p.Met239Ile; replaces methionine 239 with isoleucine.
Molecular consequence: missense variant. On other transcripts: non-coding transcript variant (4).
Genome position (GRCh38, 1-based): chr11:64,807,618, C>T on the plus strand (G>A on the coding strand, the complement: MEN1 is on the minus strand). VCF-style: chr11-64807618-C-T. GRCh37 (hg19) VCF-style: chr11-64575090-C-T.
Other names: c.732G>A, p.Met244Ile (NM_000244.4, NM_130800.3, NM_130801.3 and 5 more transcripts); c.717G>A, p.Met239Ile (NM_001370251.2, NM_001370260.2, NM_001370261.2 and 7 more transcripts); c.612G>A, p.Met204Ile (NM_001370262.2, NM_001370263.2, NM_001407148.1 and 2 more transcripts); short protein forms M244I, M239I, M204I.
Identifiers: ClinVar variation 3634202 (VCV003634202.2).

ClinVar aggregate classification (germline): Uncertain significance (1 of 4 stars; one submission).

Conditions:
Multiple endocrine neoplasia, type 1 (MEN1). Also called: MEN I; WERMER SYNDROME; Endocrine adenomatosis multiple; MEN 1; MEA I. Identifiers: Orphanet 652, MedGen C0025267, MeSH D018761, MONDO:0007540, OMIM 131100.

Submission:

Labcorp Genetics (formerly Invitae), Labcorp
Classification: Uncertain significance for Multiple endocrine neoplasia, type 1. Last evaluated: 2024-03-21. Review status: criteria provided, single submitter. Criteria: Invitae Variant Classification Sherloc (09022015). Collection method: clinical testing. Allele origin: germline.
Comment: This sequence change replaces methionine, which is neutral and non-polar, with isoleucine, which is neutral and non-polar, at codon 239 of the MEN1 protein (p.Met239Ile). This variant is not present in population databases (gnomAD no frequency). This variant has not been reported in the literature in individuals affected with MEN1-related conditions. Advanced modeling of protein sequence and biophysical properties (such as structural, functional, and spatial information, amino acid conservation, physicochemical variation, residue mobility, and thermodynamic stability) has been performed at Invitae for this missense variant, however the output from this modeling did not meet the statistical confidence thresholds required to predict the impact of this variant on MEN1 protein function. In summary, the available evidence is currently insufficient to determine the role of this variant in disease. Therefore, it has been classified as a Variant of Uncertain Significance.